The following is an entry in ClinVar:

NM_000377.3(WAS):c.969del (p.Asn324fs)

Gene: WAS (WASP actin nucleation promoting factor; plus strand). Cytogenetic location: Xp11.23.
Variant type: Deletion.
Coding change: c.969del on transcript NM_000377.3 (MANE Select); coding-DNA position 969, one base deleted (G; older notation c.969delG).
Protein change: p.Asn324fs; shifts the reading frame from asparagine 324.
Molecular consequence: frameshift variant.
Genome position (GRCh38, 1-based): chrX:48,688,697, G deleted; the last of 3 consecutive G bases (chrX:48,688,695-48,688,697); deleting any one gives the same sequence. VCF-style (leftmost placement, unchanged base first): chrX-48688694-AG-A. GRCh37 (hg19) VCF-style: chrX-48547083-AG-A.
Other names: short protein forms N324fs.
Identifiers: ClinVar variation 2949832 (VCV002949832.4), dbSNP rs2519286534, ClinGen allele CA2740092135.

ClinVar aggregate classification (germline): Pathogenic/Likely pathogenic. Review status: criteria provided, multiple submitters, no conflicts (2 of 4 stars). 2 submissions from 2 submitters: Pathogenic (1); Likely pathogenic (1). Last evaluated 2024-12-20.

Conditions:
WAS-related disorder. Also called: WAS-related condition; WAS-Related Disorders. Identifiers: MedGen CN381538.
Wiskott-Aldrich syndrome (WAS). Also called: ALDRICH SYNDROME; IMMUNODEFICIENCY 2; WISKOTT-ALDRICH SYNDROME 1; Wiskott-aldrich syndrome, somatic. Identifiers: Orphanet 906, MedGen C0043194, MONDO:0010518, OMIM 301000.
X-linked severe congenital neutropenia (SCNX). Identifiers: Orphanet 86788, MedGen C1845987, MONDO:0010294, OMIM 300299.
Thrombocytopenia 1. Also called: X-linked thrombocytopenia with normal platelets; X-Linked Thrombocytopenia (XLT); THROMBOCYTOPENIA, X-LINKED, 1. Identifiers: Orphanet 268322, Orphanet 852, MedGen C1839163, MONDO:0010743, OMIM 313900.

Submissions (2):

PreventionGenetics, part of Exact Sciences
Classification: Likely pathogenic for WAS-related condition. Last evaluated: 2024-12-20. Review status: criteria provided, single submitter. Criteria: ACMG Guidelines, 2015. Collection method: clinical testing. Allele origin: germline.
Comment: The WAS c.969delG variant is predicted to result in a frameshift and premature protein termination (p.Asn324Thrfs*121). To our knowledge, this variant has not been reported in the literature or a large population database (gnomAD), indicating this variant is rare. Nonsense variants in WAS are expected to be pathogenic. This variant is interpreted as likely pathogenic.

Labcorp Genetics (formerly Invitae), Labcorp
Classification: Pathogenic for Wiskott-Aldrich syndrome; X-linked severe congenital neutropenia; Thrombocytopenia 1. Last evaluated: 2023-07-13. Review status: criteria provided, single submitter. Criteria: Invitae Variant Classification Sherloc (09022015). Collection method: clinical testing. Allele origin: germline.
Comment: This sequence change creates a premature translational stop signal (p.Asn324Thrfs*121) in the WAS gene. It is expected to result in an absent or disrupted protein product. Loss-of-function variants in WAS are known to be pathogenic (PMID: 15284122). This variant is not present in population databases (gnomAD no frequency). This variant has not been reported in the literature in individuals affected with WAS-related conditions. For these reasons, this variant has been classified as Pathogenic.

Literature cited by the submitters: PubMed 15284122 (cited by Labcorp Genetics (formerly Invitae), Labcorp).